The following is an entry in ClinVar:

ClinVar aggregate classification (germline): Uncertain significance (1 of 4 stars; one submission).

Conditions:
Immunodeficiency, common variable, 4. Also called: ANTIBODY DEFICIENCY DUE TO BAFFR DEFECT. Identifiers: Orphanet 1572, Orphanet 696925, MedGen C3150739, MONDO:0013284, OMIM 613494.

gnomAD v4.1: 1 of 1,518,404 alleles (0.000066%); highest among the groups gnomAD compares: East Asian, 0.0026%; no homozygotes.

Submission:

Labcorp Genetics (formerly Invitae), Labcorp
Classification: Uncertain significance for Immunodeficiency, common variable, 4. Last evaluated: 2024-03-18. Review status: criteria provided, single submitter. Criteria: Invitae Variant Classification Sherloc (09022015). Collection method: clinical testing. Allele origin: germline.
Comment: This sequence change replaces proline, which is neutral and non-polar, with arginine, which is basic and polar, at codon 73 of the TNFRSF13C protein (p.Pro73Arg). This variant is not present in population databases (gnomAD no frequency). This variant has not been reported in the literature in individuals affected with TNFRSF13C-related conditions. An algorithm developed to predict the effect of missense changes on protein structure and function (PolyPhen-2) suggests that this variant is likely to be tolerated. In summary, the available evidence is currently insufficient to determine the role of this variant in disease. Therefore, it has been classified as a Variant of Uncertain Significance.

NM_052945.4(TNFRSF13C):c.218C>G (p.Pro73Arg)

Genes: TNFRSF13C (TNF receptor superfamily member 13C; minus strand), LOC130067574 (ATAC-STARR-seq lymphoblastoid silent region 13813; plus strand). Cytogenetic location: 22q13.2.
Variant type: single nucleotide variant.
Coding change: c.218C>G on transcript NM_052945.4 (MANE Select); coding-DNA position 218, C replaced by G.
Protein change: p.Pro73Arg; replaces proline 73 with arginine.
Molecular consequence: missense variant.
Genome position (GRCh38, 1-based): chr22:41,926,250, G>C on the plus strand (C>G on the coding strand, the complement: TNFRSF13C is on the minus strand). VCF-style: chr22-41926250-G-C. GRCh37 (hg19) VCF-style: chr22-42322254-G-C.
Other names: short protein forms P73R.
Identifiers: ClinVar variation 3692573 (VCV003692573.2).